The following is an entry in ClinVar:

ClinVar aggregate classification (germline): Uncertain significance (1 of 4 stars; one submission).

Conditions:
Inborn genetic diseases. Identifiers: MedGen C0950123, MeSH D030342.

Allele frequency attached by ClinVar (database versions not stated): gnomAD exomes below 0.00001.
gnomAD v4.1: 1 of 1,608,244 alleles (0.000062%); highest among the groups gnomAD compares: Non-Finnish European, 0.000085%; no homozygotes.

Submission:

Ambry Genetics
Classification: Uncertain significance for Inborn genetic diseases. Last evaluated: 2021-12-03. Review status: criteria provided, single submitter. Criteria: Ambry Variant Classification Scheme 2023. Collection method: clinical testing. Allele origin: germline.
Comment: Not expected to trigger nonsense-mediated mRNA decay Based on insufficient or conflicting evidence, the clinical significance of this alteration remains unclear.

NM_020843.4(SCAPER):c.4099+2T>C

Gene: SCAPER (S-phase cyclin A associated protein in the ER; minus strand). Cytogenetic location: 15q24.3.
Variant type: single nucleotide variant.
Coding change: c.4099+2T>C on transcript NM_020843.4 (MANE Select); the canonical splice donor site of the intron after coding-DNA position 4099, T replaced by C.
Molecular consequence: splice donor variant.
Genome position (GRCh38, 1-based): chr15:76,351,235, A>G on the plus strand (T>C on the coding strand, the complement: SCAPER is on the minus strand). VCF-style: chr15-76351235-A-G. GRCh37 (hg19) VCF-style: chr15-76643576-A-G.
Other names: c.3715+2T>C (NM_001353011.2); c.3697+2T>C (NM_001353012.2, NM_001353010.2); c.4117+2T>C (NM_001353009.2); c.3361+2T>C (NM_001145923.2).
Identifiers: ClinVar variation 2258051 (VCV002258051.2), dbSNP rs2543110178, ClinGen allele CA393515090.
Genomic context (GRCh38, chr15:76,351,235, plus strand): 5'-GGATAAGAAAGATGTCCATTTGGCTAACAAACACATGAAATTTAATTTCAATAGAGACAT[A>G]CCTTTGGGTTGGTAAGGCTGGTTTTCCGCTTGACCTGGAGTCTGTGCCAAATCCTGTATG-3'